The following is an entry in ClinVar:

NM_000136.3(FANCC):c.593C>A (p.Pro198His)

Genes: FANCC (FA complementation group C; minus strand), AOPEP (aminopeptidase O (putative); plus strand). Cytogenetic location: 9q22.32.
Variant type: single nucleotide variant.
Coding change: c.593C>A on transcript NM_000136.3 (MANE Select); coding-DNA position 593, C replaced by A.
Protein change: p.Pro198His; replaces proline 198 with histidine.
Molecular consequence: missense variant.
Genome position (GRCh38, 1-based): chr9:95,150,016, G>T on the plus strand (C>A on the coding strand, the complement: FANCC is on the minus strand). VCF-style: chr9-95150016-G-T. GRCh37 (hg19) VCF-style: chr9-97912298-G-T.
Other names: c.593C>A, p.Pro198His (NM_001243743.2, NM_001243744.2); short protein forms P198H.
Identifiers: ClinVar variation 3230390 (VCV003230390.1), dbSNP rs534655551, ClinGen allele CA374109701.

ClinVar aggregate classification (germline): Uncertain significance (1 of 4 stars; one submission).

Conditions:
Hereditary cancer-predisposing syndrome. Also called: Neoplastic Syndromes, Hereditary; Tumor predisposition; Hereditary neoplastic syndrome; Hereditary Cancer Syndrome. Identifiers: Orphanet 140162, MedGen C0027672, MeSH D009386, MONDO:0015356.

Submission:

Ambry Genetics
Classification: Uncertain significance for Hereditary cancer-predisposing syndrome. Last evaluated: 2022-11-25. Review status: criteria provided, single submitter. Criteria: Ambry Variant Classification Scheme 2023. Collection method: clinical testing. Allele origin: germline.
Comment: The p.P198H variant (also known as c.593C>A), located in coding exon 6 of the FANCC gene, results from a C to A substitution at nucleotide position 593. The proline at codon 198 is replaced by histidine, an amino acid with similar properties. This amino acid position is conserved. In addition, this alteration is predicted to be deleterious by in silico analysis. Since supporting evidence is limited at this time, the clinical significance of this alteration remains unclear.